The following is an entry in ClinVar:

ClinVar aggregate classification (germline): Likely pathogenic (1 of 4 stars; one submission).

Conditions:
KAT6B-related disorder. Also called: KAT6B-related disorders; KAT6B-related condition.

Submission:

Laboratorio de Biologia Molecular/Medicina Genomica - IFF/Fiocruz, Instituto Fernandes Figueira, Fundacao Oswaldo Cruz
Classification: Likely pathogenic for KAT6B-related conditions. Last evaluated: 2025-09-02. Review status: criteria provided, single submitter. Criteria: ACMG Guidelines, 2015. Collection method: clinical testing. Allele origin: germline. Affected: yes. Observed: 1 variant allele.
Comment: Variant: c.3271G>T (p.Glu1091Ter), in exon 16 of the KAT6B gene. Protein effect: Nonsense variant predicted to undergo NMD in a gene where LoF is a known mechanism of disease. Population database (gnomAD): Absent. ACMG/AMP criteria applied: PVS1, PM2_Supporting.

NM_012330.4(KAT6B):c.3271G>T (p.Glu1091Ter)

Gene: KAT6B (lysine acetyltransferase 6B; plus strand). Cytogenetic location: 10q22.2.
Variant type: single nucleotide variant.
Coding change: c.3271G>T on transcript NM_012330.4 (MANE Select); coding-DNA position 3271, G replaced by T.
Protein change: p.Glu1091Ter; replaces glutamic acid 1091 with a stop codon.
Molecular consequence: nonsense.
Genome position (GRCh38, 1-based): chr10:75,022,130, G>T. VCF-style: chr10-75022130-G-T. GRCh37 (hg19) VCF-style: chr10-76781888-G-T.
Other names: c.2722G>T, p.Glu908Ter (NM_001256468.2, NM_001370138.1); c.2395G>T, p.Glu799Ter (NM_001256469.2, NM_001370139.1, NM_001370140.1 and 2 more transcripts); c.2233G>T, p.Glu745Ter (NM_001370132.1); c.1582G>T, p.Glu528Ter (NM_001370133.1); c.1186G>T, p.Glu396Ter (NM_001370134.1); c.928G>T, p.Glu310Ter (NM_001370135.1); c.3271G>T, p.Glu1091Ter (NM_001370136.1, NM_001370137.1); c.2206G>T, p.Glu736Ter (NM_001370143.1, NM_001370144.1); short protein forms E1091*, E310*, E396*, E528*, E736*, E745*, E799*, E908*.
Identifiers: ClinVar variation 4795192 (VCV004795192.1).